The following is an entry in ClinVar:

ClinVar aggregate classification (germline): Uncertain significance (1 of 4 stars; one submission).

Conditions:
Autosomal recessive spinocerebellar ataxia 17. Identifiers: Orphanet 453521, MedGen C4015301, MONDO:0014503, OMIM 616127.

Allele frequency attached by ClinVar (database versions not stated): gnomAD exomes below 0.00001 and 0.00001.
gnomAD v4.1: 5 of 1,614,158 alleles (0.00031%); highest among the groups gnomAD compares: Non-Finnish European, 0.00042%; no homozygotes.

Submission:

Molecular Genetics, Royal Melbourne Hospital
Classification: Uncertain significance for Autosomal recessive spinocerebellar ataxia 17. Last evaluated: 2020-09-24. Review status: criteria provided, single submitter. Criteria: ACMG Guidelines, 2015. Collection method: clinical testing. Allele origin: germline. Affected: yes.
Comment: This sequence change is predicted to replace lysine with glutamic acid at codon 355 of the CWF19L1 protein (p.(Lys355Glu)). The lysine residue is evolutionarily conserved (100 vertebrates, UCSC), and is located in a region similar to Cwfj C-terminus 1. There is a small physicochemical difference between lysine and glutamic acid. The variant is present in a large population cohort at a frequency of 0.001%, which is consistent with a recessive condition (PM2; rs1176487325, 3/251,440 alleles, 0 homozygotes in gnomAD v2.1). The variant has not been reported in the relevant medical literature or databases. Multiple lines of computational evidence predict a deleterious effect for the missense substitution (PP3; 5/6 algorithms). Based on the classification scheme RMH ACMG Guidelines v1.2.1, this variant is classified as a VARIANT OF UNCERTAIN SIGNIFICANCE. Following criteria are met: PM2, PP3.

NM_018294.6(CWF19L1):c.1063A>G (p.Lys355Glu)

Gene: CWF19L1 (CWF19 like cell cycle control factor 1; minus strand). Cytogenetic location: 10q24.31.
Variant type: single nucleotide variant.
Coding change: c.1063A>G on transcript NM_018294.6 (MANE Select); coding-DNA position 1063, A replaced by G.
Protein change: p.Lys355Glu; replaces lysine 355 with glutamic acid.
Molecular consequence: missense variant.
Genome position (GRCh38, 1-based): chr10:100,238,213, T>C on the plus strand (A>G on the coding strand, the complement: CWF19L1 is on the minus strand). VCF-style: chr10-100238213-T-C. GRCh37 (hg19) VCF-style: chr10-101997970-T-C.
Other names: c.1063A>G, p.Lys355Glu (NM_001303404.2); c.652A>G, p.Lys218Glu (NM_001303405.2, NM_001303406.2); c.328A>G, p.Lys110Glu (NM_001303407.2); short protein forms K110E, K218E, K355E.
Identifiers: ClinVar variation 1678624 (VCV001678624.2), dbSNP rs1176487325, ClinGen allele CA378162298.